The following is an entry in ClinVar:

ClinVar aggregate classification (germline): Uncertain significance (1 of 4 stars; one submission).

Allele frequency attached by ClinVar (database versions not stated): gnomAD exomes below 0.00001.
gnomAD v4.1: 2 of 1,611,440 alleles (0.00012%); highest among the groups gnomAD compares: South Asian, 0.0022%; no homozygotes.

Submission:

GeneDx
Classification: Uncertain significance. Last evaluated: 2024-01-02. Review status: criteria provided, single submitter. Criteria: GeneDx Variant Classification Process June 2021. Collection method: clinical testing. Allele origin: germline. Affected: yes.
Comment: Not observed at significant frequency in large population cohorts (gnomAD); In silico analysis supports that this missense variant has a deleterious effect on protein structure/function; Not located in the triple helical region, where the majority of pathogenic missense variants occur (PMID: 25240749); Has not been previously published as pathogenic or benign to our knowledge; This variant is associated with the following publications: (PMID: 25240749)

NM_001854.4(COL11A1):c.704A>C (p.Tyr235Ser)

Gene: COL11A1 (collagen type XI alpha 1 chain; minus strand). Cytogenetic location: 1p21.1.
Variant type: single nucleotide variant.
Coding change: c.704A>C on transcript NM_001854.4 (MANE Select); coding-DNA position 704, A replaced by C.
Protein change: p.Tyr235Ser; replaces tyrosine 235 with serine.
Molecular consequence: missense variant. On other transcripts: non-coding transcript variant (1).
Genome position (GRCh38, 1-based): chr1:103,031,192, T>G on the plus strand (A>C on the coding strand, the complement: COL11A1 is on the minus strand). VCF-style: chr1-103031192-T-G. GRCh37 (hg19) VCF-style: chr1-103496748-T-G.
Other names: c.704A>C, p.Tyr235Ser (NM_001190709.2, NM_080629.3, NM_080630.4); short protein forms Y235S.
Identifiers: ClinVar variation 3253300 (VCV003253300.1), dbSNP rs1461000076.